The following is an entry in ClinVar:

NM_002160.4(TNC):c.3589A>G (p.Ile1197Val)

Genes: TNC (tenascin C; minus strand), LOC126860741 (P300/CBP strongly-dependent group 1 enhancer GRCh37_chr9:117825442-117826641; plus strand). Cytogenetic location: 9q33.1.
Variant type: single nucleotide variant.
Coding change: c.3589A>G on transcript NM_002160.4 (MANE Select); coding-DNA position 3589, A replaced by G.
Protein change: p.Ile1197Val; replaces isoleucine 1197 with valine.
Molecular consequence: missense variant.
Genome position (GRCh38, 1-based): chr9:115,063,967, T>C on the plus strand (A>G on the coding strand, the complement: TNC is on the minus strand). VCF-style: chr9-115063967-T-C. GRCh37 (hg19) VCF-style: chr9-117826246-T-C.
Other names: short protein forms I1197V.
Identifiers: ClinVar variation 736987 (VCV000736987.8), dbSNP rs138416542, ClinGen allele CA5208182.

ClinVar aggregate classification (germline): Likely benign. Review status: criteria provided, multiple submitters, no conflicts (2 of 4 stars). 5 submissions from 5 submitters: Likely benign (3). 2 of the submissions do not count toward it. Last evaluated 2024-11-25.

Conditions:
TNC-related disorder. Also called: TNC-related condition.

Allele frequency attached by ClinVar (database versions not stated): gnomAD 0.00009 and 0.00019; TOPMed 0.00012; 1000 Genomes Project 0.00020; gnomAD exomes 0.00025 and 0.00038; 1000 Genomes Project 30x 0.00031; ExAC 0.00046.
gnomAD v4.1: 401 of 1,614,092 alleles (0.025%); highest among the groups gnomAD compares: South Asian, 0.25%; 2 homozygotes.

Submissions (5):

Blueprint Genetics
Classification: Likely benign. Last evaluated: 2024-11-25. Review status: criteria provided, single submitter. Criteria: ACMG Guidelines, 2015. Collection method: clinical testing. Allele origin: germline.

Labcorp Genetics (formerly Invitae), Labcorp
Classification: Likely benign. Last evaluated: 2018-11-15. Review status: criteria provided, single submitter. Criteria: Invitae Variant Classification Sherloc (09022015). Collection method: clinical testing. Allele origin: germline.

Breakthrough Genomics
Classification: Likely benign. Review status: criteria provided, single submitter. Criteria: ACMG Guidelines, 2015. Collection method: not provided. Allele origin: germline. Inheritance: Autosomal dominant inheritance. Affected: yes.

PreventionGenetics, part of Exact Sciences
Classification: Likely benign for TNC-related condition. Last evaluated: 2023-06-23. Review status: no assertion criteria provided. Collection method: clinical testing. Allele origin: germline. Not counted in ClinVar's aggregate classification.
Comment: This variant is classified as likely benign based on ACMG/AMP sequence variant interpretation guidelines (Richards et al. 2015 PMID: 25741868, with internal and published modifications).

Department of Pathology and Laboratory Medicine, Sinai Health System
Classification: Likely benign. Review status: no assertion criteria provided. Collection method: clinical testing. Allele origin: unknown. Affected: yes. Study: The Canadian Open Genetics Repository (COGR). Not counted in ClinVar's aggregate classification.
Comment: The TNC p.I1197V variant was not identified in the literature but was identified in dbSNP (ID: rs138416542) and ClinVar (classified as likely benign by Invitae). The variant was identified in control databases in 96 of 251320 chromosomes at a frequency of 0.000382 (Genome Aggregation Database March 6, 2019, v2.1.1). The variant was observed in the following populations: South Asian in 63 of 30614 chromosomes (freq: 0.002058), Other in 2 of 6132 chromosomes (freq: 0.000326), Ashkenazi Jewish in 3 of 10074 chromosomes (freq: 0.000298), European (non-Finnish) in 27 of 113622 chromosomes (freq: 0.000238) and Latino in 1 of 34584 chromosomes (freq: 0.000029), but was not observed in the African, East Asian, or European (Finnish) populations. This frequency is greater than expected for autosomal dominant deafness associated with TNC variants. The p.I1197 residue is not conserved in mammals and computational analyses (PolyPhen-2, SIFT, MutationTaster, Revel, FATHMM, MetaLR, DANN) do not suggest a high likelihood of impact to the protein; however, this information is not predictive enough to rule out pathogenicity. The variant occurs outside of the splicing consensus sequence and in silico or computational prediction software programs (Splice AI exome) do not predict a difference in splicing. In summary, based on the above information the clinical significance of this variant cannot be determined with certainty at this time although we would lean towards a more benign role for this variant. This variant is classified as likely benign.